The following is an entry in ClinVar:

NM_006269.2(RP1):c.6127G>T (p.Val2043Phe)

Gene: RP1 (RP1 axonemal microtubule associated; plus strand). Cytogenetic location: 8q12.1.
Variant type: single nucleotide variant.
Coding change: c.6127G>T on transcript NM_006269.2 (MANE Select); coding-DNA position 6127, G replaced by T.
Protein change: p.Val2043Phe; replaces valine 2043 with phenylalanine.
Molecular consequence: missense variant. On other transcripts: intron variant (1).
Genome position (GRCh38, 1-based): chr8:54,630,009, G>T. VCF-style: chr8-54630009-G-T. GRCh37 (hg19) VCF-style: chr8-55542569-G-T.
Other names: c.6127G>T (NM_006269.1); c.787+7721G>T (NM_001375654.1); short protein forms V2043F.
Identifiers: ClinVar variation 1358778 (VCV001358778.8), dbSNP rs1315681507, ClinGen allele CA370990659.

ClinVar aggregate classification (germline): Uncertain significance. Review status: criteria provided, multiple submitters, no conflicts (2 of 4 stars). 3 submissions from 3 submitters: Uncertain significance (3). Last evaluated 2026-07-16.

Conditions:
RP1-related disorder. Also called: RP1-related condition.

Allele frequency attached by ClinVar (database versions not stated): gnomAD exomes below 0.00001 and 0.00001; TOPMed below 0.00001; gnomAD 0.00001.
gnomAD v4.1: 5 of 1,613,916 alleles (0.00031%); highest among the groups gnomAD compares: Non-Finnish European, 0.00034%; no homozygotes.

Submissions (3):

PreventionGenetics, part of Exact Sciences
Classification: Uncertain significance for RP1-related condition. Last evaluated: 2026-07-16. Review status: criteria provided, single submitter. Criteria: ACMG Guidelines, 2015. Collection method: clinical testing. Allele origin: germline.
Comment: The RP1 c.6127G>T variant is predicted to result in the amino acid substitution p.Val2043Phe. To our knowledge, this variant has not been reported in the literature. This variant is reported in 0.0023% of alleles in individuals of European (Non-Finnish) descent in gnomAD. At this time, the clinical significance of this variant is uncertain due to the absence of conclusive functional and genetic evidence.

Blueprint Genetics
Classification: Uncertain significance. Last evaluated: 2024-03-28. Review status: criteria provided, single submitter. Criteria: ACMG Guidelines, 2015. Collection method: clinical testing. Allele origin: germline.

Labcorp Genetics (formerly Invitae), Labcorp
Classification: Uncertain significance. Last evaluated: 2023-11-20. Review status: criteria provided, single submitter. Criteria: Invitae Variant Classification Sherloc (09022015). Collection method: clinical testing. Allele origin: germline.
Comment: This sequence change replaces valine, which is neutral and non-polar, with phenylalanine, which is neutral and non-polar, at codon 2043 of the RP1 protein (p.Val2043Phe). This variant is present in population databases (no rsID available, gnomAD 0.003%). This variant has not been reported in the literature in individuals affected with RP1-related conditions. ClinVar contains an entry for this variant (Variation ID: 1358778). An algorithm developed to predict the effect of missense changes on protein structure and function (PolyPhen-2) suggests that this variant is likely to be disruptive. In summary, the available evidence is currently insufficient to determine the role of this variant in disease. Therefore, it has been classified as a Variant of Uncertain Significance.